The following is an entry in ClinVar:

NM_001077350.3(NPRL3):c.107C>T (p.Ala36Val)

Genes: HBA-LCR (alpha-globin locus control region; plus strand), NPRL3 (NPR3 like, GATOR1 complex subunit; minus strand). Cytogenetic location: 16p13.3.
Variant type: single nucleotide variant.
Coding change: c.107C>T on transcript NM_001077350.3 (MANE Select); coding-DNA position 107, C replaced by T.
Protein change: p.Ala36Val; replaces alanine 36 with valine.
Molecular consequence: missense variant. On other transcripts: 5 prime UTR variant (2).
Genome position (GRCh38, 1-based): chr16:138,161, G>A on the plus strand (C>T on the coding strand, the complement: NPRL3 is on the minus strand). VCF-style: chr16-138161-G-A. GRCh37 (hg19) VCF-style: chr16-188160-G-A.
Other names: c.-226C>T (NM_001039476.3); c.-265C>T (NM_001243247.2); c.107C>T, p.Ala36Val (NM_001243248.2, NM_001243249.2); short protein forms A36V.
Identifiers: ClinVar variation 2043311 (VCV002043311.4), dbSNP rs751842451, ClinGen allele CA7769800.

ClinVar aggregate classification (germline): Uncertain significance (1 of 4 stars; one submission).

Conditions:
Epilepsy, familial focal, with variable foci 3 (FFEVF3). Identifiers: MedGen C4310708, MONDO:0014925, OMIM 617118.

Allele frequency attached by ClinVar (database versions not stated): TOPMed below 0.00001; ExAC 0.00002.
gnomAD v4.1: 11 of 1,603,256 alleles (0.00069%); highest among the groups gnomAD compares: Middle Eastern, 0.033%; no homozygotes.

Submission:

Labcorp Genetics (formerly Invitae), Labcorp
Classification: Uncertain significance for Epilepsy, familial focal, with variable foci 3. Last evaluated: 2022-01-11. Review status: criteria provided, single submitter. Criteria: Invitae Variant Classification Sherloc (09022015). Collection method: clinical testing. Allele origin: germline.
Comment: In summary, the available evidence is currently insufficient to determine the role of this variant in disease. Therefore, it has been classified as a Variant of Uncertain Significance. Experimental studies and prediction algorithms are not available or were not evaluated, and the functional significance of this variant is currently unknown. This variant has not been reported in the literature in individuals affected with NPRL3-related conditions. The frequency data for this variant in the population databases is considered unreliable, as metrics indicate poor data quality at this position in the gnomAD database. This sequence change replaces alanine, which is neutral and non-polar, with valine, which is neutral and non-polar, at codon 36 of the NPRL3 protein (p.Ala36Val).